The following is an entry in ClinVar:

NM_000218.3(KCNQ1):c.478-2A>G

Gene: KCNQ1 (potassium voltage-gated channel subfamily Q member 1; plus strand). Cytogenetic location: 11p15.5.
Variant type: single nucleotide variant.
Coding change: c.478-2A>G on transcript NM_000218.3 (MANE Select); the canonical splice acceptor site of the intron before coding-DNA position 478, A replaced by G.
Molecular consequence: splice acceptor variant. On other transcripts: intron variant (1).
Genome position (GRCh38, 1-based): chr11:2,570,626, A>G. VCF-style: chr11-2570626-A-G. GRCh37 (hg19) VCF-style: chr11-2591856-A-G.
Other names: c.208-2A>G (NM_001406837.1); c.478-2A>G (NM_001406836.1); c.478-12809A>G (NM_001406838.1); c.97-2A>G (NM_181798.2).
Identifiers: ClinVar variation 3601179 (VCV003601179.1).

ClinVar aggregate classification (germline): Pathogenic (1 of 4 stars; one submission).

Conditions:
Jervell and Lange-Nielsen syndrome 1 (JLNS1). Also called: CARDIOAUDITORY SYNDROME OF JERVELL AND LANGE-NIELSEN; DEAFNESS, CONGENITAL, AND FUNCTIONAL HEART DISEASE; PROLONGED QT INTERVAL IN EKG AND SUDDEN DEATH; SURDO-CARDIAC SYNDROME. Identifiers: Orphanet 768, Orphanet 90647, MedGen C4551509, MONDO:0024540, OMIM 220400.

Submission:

Institute of Rare Diseases, West China Hospital, Sichuan University
Classification: Pathogenic for Jervell and Lange-Nielsen syndrome 1. Last evaluated: 2025-01-09. Review status: criteria provided, single submitter. Criteria: ClinGen HL ACMG Specifications v1. Collection method: research. Allele origin: germline. Affected: yes.
Comment: PVS1;PM3_Supporting;PM2_Supporting